The following is an entry in ClinVar:

NM_001354604.2(MITF):c.114C>G (p.Ala38=)

Gene: MITF (melanocyte inducing transcription factor; plus strand). Cytogenetic location: 3p13.
Variant type: single nucleotide variant.
Coding change: c.114C>G on transcript NM_001354604.2 (MANE Select); coding-DNA position 114, C replaced by G.
Protein change: p.Ala38=; no amino-acid change (alanine 38 retained).
Molecular consequence: synonymous variant. On other transcripts: 5 prime UTR variant (2).
Genome position (GRCh38, 1-based): chr3:69,879,143, C>G. VCF-style: chr3-69879143-C-G. GRCh37 (hg19) VCF-style: chr3-69928294-C-G.
Other names: c.-43C>G (NM_001184967.2, NM_001354608.2); c.111C>G, p.Ala37= (NM_001354605.2, NM_001354606.2, NM_006722.3); c.63C>G, p.Ala21= (NM_001354607.2); c.114C>G, p.Ala38= (NM_198159.3); c.66C>G, p.Ala22= (NM_198177.3).
Identifiers: ClinVar variation 4987286 (VCV004987286.1).

ClinVar aggregate classification (germline): Likely benign (1 of 4 stars; one submission).

Conditions:
MITF-related disorder. Also called: MITF-related condition.

gnomAD v4.1: 1 of 1,614,182 alleles (0.000062%); highest among the groups gnomAD compares: Non-Finnish European, 0.000085%; no homozygotes.

Submission:

PreventionGenetics, part of Exact Sciences
Classification: Likely benign for MITF-related condition. Last evaluated: 2026-01-09. Review status: criteria provided, single submitter. Criteria: ACMG Guidelines, 2015. Collection method: clinical testing. Allele origin: germline.
Comment: This variant is classified as likely benign based on ACMG/AMP sequence variant interpretation guidelines (Richards et al. 2015 PMID: 25741868, with internal and published modifications).